The following is an entry in ClinVar:

NM_016729.3(FOLR1):c.676G>A (p.Ala226Thr)

Genes: FOLR1-AS1 (FOLR1 antisense RNA 1; minus strand), FOLR1 (folate receptor alpha; plus strand). Cytogenetic location: 11q13.4.
Variant type: single nucleotide variant.
Coding change: c.676G>A on transcript NM_016729.3 (MANE Select); coding-DNA position 676, G replaced by A.
Protein change: p.Ala226Thr; replaces alanine 226 with threonine.
Molecular consequence: missense variant.
Genome position (GRCh38, 1-based): chr11:72,196,079, G>A. VCF-style: chr11-72196079-G-A. GRCh37 (hg19) VCF-style: chr11-71907123-G-A.
Other names: c.676G>A, p.Ala226Thr (NM_000802.3, NM_016724.3, NM_016725.3); short protein forms A226T.
Identifiers: ClinVar variation 1008880 (VCV001008880.9), dbSNP rs1158285428, ClinGen allele CA381734954.

ClinVar aggregate classification (germline): Uncertain significance (1 of 4 stars; one submission).

Conditions:
Cerebral folate transport deficiency. Also called: FOLR1-Related Cerebral Folate Transport Deficiency; Cerebral folate deficiency syndrome; FOLATE RECEPTOR DEFICIENCY; NEURODEGENERATION DUE TO CEREBRAL FOLATE TRANSPORT DEFICIENCY; Neurodegenerative syndrome due to cerebral folate transport deficiency. Identifiers: Orphanet 217382, MedGen C2751584, MONDO:0013110, OMIM 613068. Disease mechanism: loss of function.

Allele frequency attached by ClinVar (database versions not stated): gnomAD exomes below 0.00001; TOPMed 0.00001.
gnomAD v4.1: 2 of 1,614,194 alleles (0.00012%); highest among the groups gnomAD compares: Admixed American, 0.0017%; no homozygotes.

Submission:

Labcorp Genetics (formerly Invitae), Labcorp
Classification: Uncertain significance for Cerebral folate transport deficiency. Last evaluated: 2023-12-06. Review status: criteria provided, single submitter. Criteria: Invitae Variant Classification Sherloc (09022015). Collection method: clinical testing. Allele origin: germline.
Comment: This sequence change replaces alanine, which is neutral and non-polar, with threonine, which is neutral and polar, at codon 226 of the FOLR1 protein (p.Ala226Thr). This variant is present in population databases (no rsID available, gnomAD 0.003%). This variant has not been reported in the literature in individuals affected with FOLR1-related conditions. ClinVar contains an entry for this variant (Variation ID: 1008880). Advanced modeling of protein sequence and biophysical properties (such as structural, functional, and spatial information, amino acid conservation, physicochemical variation, residue mobility, and thermodynamic stability) performed at Invitae indicates that this missense variant is not expected to disrupt FOLR1 protein function with a negative predictive value of 80%. Algorithms developed to predict the effect of sequence changes on RNA splicing suggest that this variant may create or strengthen a splice site. In summary, the available evidence is currently insufficient to determine the role of this variant in disease. Therefore, it has been classified as a Variant of Uncertain Significance.